The following is an entry in ClinVar:

NM_024675.4(PALB2):c.2749-15C>T

Gene: PALB2 (partner and localizer of BRCA2; minus strand). Cytogenetic location: 16p12.2.
Variant type: single nucleotide variant.
Coding change: c.2749-15C>T on transcript NM_024675.4 (MANE Select); 15 bases into the intron before coding-DNA position 2749, C replaced by T.
Molecular consequence: intron variant.
Genome position (GRCh38, 1-based): chr16:23,624,109, G>A on the plus strand (C>T on the coding strand, the complement: PALB2 is on the minus strand). VCF-style: chr16-23624109-G-A. GRCh37 (hg19) VCF-style: chr16-23635430-G-A.
Identifiers: ClinVar variation 628349 (VCV000628349.6), dbSNP rs1567214528, ClinGen allele CA913188717.

ClinVar aggregate classification (germline): Likely benign. Review status: criteria provided, multiple submitters, no conflicts (2 of 4 stars). 3 submissions from 3 submitters: Likely benign (3). Last evaluated 2025-01-17.

Conditions:
Hereditary cancer-predisposing syndrome. Also called: Neoplastic Syndromes, Hereditary; Tumor predisposition; Hereditary neoplastic syndrome; Hereditary Cancer Syndrome. Identifiers: Orphanet 140162, MedGen C0027672, MeSH D009386, MONDO:0015356.
Familial cancer of breast. Also called: BREAST CANCER, FAMILIAL; Hereditary breast cancer; hereditary breast carcinoma. Identifiers: Orphanet 227535, MedGen C0346153, MONDO:0016419, OMIM 114480. Disease mechanism: loss of function.

Submissions (3):

Myriad Genetics, Inc.
Classification: Likely benign for Familial cancer of breast. Last evaluated: 2025-01-17. Review status: criteria provided, single submitter. Criteria: Myriad Autosomal Dominant, Autosomal Recessive and X-Linked Classification Criteria (2023). Collection method: clinical testing. Allele origin: unknown.
Comment: This variant is considered likely benign. This variant is intronic and is not expected to impact mRNA splicing.

Labcorp Genetics (formerly Invitae), Labcorp
Classification: Likely benign for Familial cancer of breast. Last evaluated: 2024-10-09. Review status: criteria provided, single submitter. Criteria: Invitae Variant Classification Sherloc (09022015). Collection method: clinical testing. Allele origin: germline.

Color Diagnostics, LLC DBA Color Health
Classification: Likely benign for Hereditary cancer-predisposing syndrome. Last evaluated: 2019-10-31. Review status: criteria provided, single submitter. Criteria: ACMG Guidelines, 2015. Collection method: clinical testing. Allele origin: germline.